The following is an entry in ClinVar:

ClinVar aggregate classification (germline): Likely pathogenic (1 of 4 stars; one submission).

Conditions:
Fanconi anemia (FA). Also called: Fanconi's anemia. Identifiers: Orphanet 84, MedGen C0015625, MeSH D005199, MONDO:0019391.

Submission:

Labcorp Genetics (formerly Invitae), Labcorp
Classification: Likely pathogenic for Fanconi anemia. Last evaluated: 2020-12-20. Review status: criteria provided, single submitter. Criteria: Invitae Variant Classification Sherloc (09022015). Collection method: clinical testing. Allele origin: germline.
Comment: In summary, the currently available evidence indicates that the variant is pathogenic, but additional data are needed to prove that conclusively. Therefore, this variant has been classified as Likely Pathogenic. Algorithms developed to predict the effect of sequence changes on RNA splicing suggest that this variant may disrupt the consensus splice site, but this prediction has not been confirmed by published transcriptional studies. This variant has not been reported in the literature in individuals with SLX4-related conditions. This variant is not present in population databases (ExAC no frequency). This sequence change affects an acceptor splice site in intron 10 of the SLX4 gene. It is expected to disrupt RNA splicing. Variants that disrupt the donor or acceptor splice site typically lead to a loss of protein function (PMID: 16199547), and loss-of-function variants in SLX4 are known to be pathogenic (PMID: 21240277).

Literature cited by the submitters: PubMed 16199547; PubMed 21240277.

NM_032444.4(SLX4):c.2161-2A>T

Gene: SLX4 (SLX4 structure-specific endonuclease subunit; minus strand). Cytogenetic location: 16p13.3.
Variant type: single nucleotide variant.
Coding change: c.2161-2A>T on transcript NM_032444.4 (MANE Select); the canonical splice acceptor site of the intron before coding-DNA position 2161, A replaced by T.
Molecular consequence: splice acceptor variant.
Genome position (GRCh38, 1-based): chr16:3,592,867, T>A on the plus strand (A>T on the coding strand, the complement: SLX4 is on the minus strand). VCF-style: chr16-3592867-T-A. GRCh37 (hg19) VCF-style: chr16-3642868-T-A.
Identifiers: ClinVar variation 1349178 (VCV001349178.8), dbSNP rs2151127331, ClinGen allele CA394525240.
Genomic context (GRCh38, chr16:3,592,867, plus strand): 5'-AGCAGGACACGCTGGGTCAGAACCCCGTCCTCTACAGCGGAGAAGCCTTCATTGTTCACC[T>A]GCAGGTGAAATGCAACACAGAGGGTTTACTGATCAGAGAGTTGTAACTTGGAGCAAAGCA-3'